The following is an entry in ClinVar:

NM_017780.4(CHD7):c.4157C>G (p.Ser1386Ter)

Gene: CHD7 (chromodomain helicase DNA binding protein 7; plus strand). Cytogenetic location: 8q12.2.
Variant type: single nucleotide variant.
Coding change: c.4157C>G on transcript NM_017780.4 (MANE Select); coding-DNA position 4157, C replaced by G.
Protein change: p.Ser1386Ter; replaces serine 1386 with a stop codon.
Molecular consequence: nonsense. On other transcripts: intron variant (1).
Genome position (GRCh38, 1-based): chr8:60,836,984, C>G. VCF-style: chr8-60836984-C-G. GRCh37 (hg19) VCF-style: chr8-61749543-C-G.
Other names: c.1717-25245C>G (NM_001316690.1); short protein forms S1386*.
Identifiers: ClinVar variation 3720828 (VCV003720828.2).

ClinVar aggregate classification (germline): Pathogenic (1 of 4 stars; one submission).

Conditions:
CHARGE syndrome (CHARGE). Also called: Hittner Hirsch Kreh syndrome; CHARGE ASSOCIATION--COLOBOMA, HEART ANOMALY, CHOANAL ATRESIA, RETARDATION, GENITAL AND EAR ANOMALIES; Coloboma, heart anomaly, choanal atresia, retardation, genital and ear anomalies; CHARGE association; Hall-Hittner syndrome. Identifiers: Orphanet 138, MedGen C0265354, MONDO:0008965.

Submission:

Labcorp Genetics (formerly Invitae), Labcorp
Classification: Pathogenic for CHARGE syndrome. Last evaluated: 2024-06-06. Review status: criteria provided, single submitter. Criteria: Invitae Variant Classification Sherloc (09022015). Collection method: clinical testing. Allele origin: germline.
Comment: This sequence change creates a premature translational stop signal (p.Ser1386*) in the CHD7 gene. It is expected to result in an absent or disrupted protein product. Loss-of-function variants in CHD7 are known to be pathogenic (PMID: 22461308, 25077900). This variant is not present in population databases (gnomAD no frequency). This premature translational stop signal has been observed in individual(s) with CHARGE syndrome (PMID: 16155193). Algorithms developed to predict the effect of sequence changes on RNA splicing suggest that this variant may disrupt the consensus splice site. For these reasons, this variant has been classified as Pathogenic.

Literature cited by the submitters: PubMed 22461308; PubMed 25077900; PubMed 16155193.